The following is an entry in ClinVar:

ClinVar aggregate classification (germline): Uncertain significance (1 of 4 stars; one submission).

gnomAD v4.1: 6 of 1,613,924 alleles (0.00037%); highest among the groups gnomAD compares: Admixed American, 0.0033%; no homozygotes.

Submission:

Ambry Genetics
Classification: Uncertain significance. Last evaluated: 2025-04-19. Review status: criteria provided, single submitter. Criteria: Ambry Variant Classification Scheme 2023. Collection method: clinical testing. Allele origin: germline.
Comment: The p.Q503H variant (also known as c.1509G>T), located in coding exon 13 of the GEN1 gene, results from a G to T substitution at nucleotide position 1509. The glutamine at codon 503 is replaced by histidine, an amino acid with highly similar properties. This amino acid position is conserved. In addition, this alteration is predicted to be tolerated by in silico analysis. Based on the available evidence, the clinical significance of this variant remains unclear.

NM_001130009.3(GEN1):c.1509G>T (p.Gln503His)

Gene: GEN1 (GEN1 Holliday junction 5' flap endonuclease; plus strand). Cytogenetic location: 2p24.2.
Variant type: single nucleotide variant.
Coding change: c.1509G>T on transcript NM_001130009.3 (MANE Select); coding-DNA position 1509, G replaced by T.
Protein change: p.Gln503His; replaces glutamine 503 with histidine.
Molecular consequence: missense variant.
Genome position (GRCh38, 1-based): chr2:17,780,721, G>T. VCF-style: chr2-17780721-G-T. GRCh37 (hg19) VCF-style: chr2-17961988-G-T.
Other names: c.1509G>T, p.Gln503His (NM_182625.5); short protein forms Q503H.
Identifiers: ClinVar variation 4029248 (VCV004029248.1).